The following is an entry in ClinVar:

NM_000282.4(PCCA):c.328G>C (p.Val110Leu)

Gene: PCCA (propionyl-CoA carboxylase subunit alpha; plus strand). Cytogenetic location: 13q32.3.
Variant type: single nucleotide variant.
Coding change: c.328G>C on transcript NM_000282.4 (MANE Select); coding-DNA position 328, G replaced by C.
Protein change: p.Val110Leu; replaces valine 110 with leucine.
Molecular consequence: missense variant. On other transcripts: 5 prime UTR variant (3), non-coding transcript variant (5).
Genome position (GRCh38, 1-based): chr13:100,155,006, G>C. VCF-style: chr13-100155006-G-C. GRCh37 (hg19) VCF-style: chr13-100807260-G-C.
Other names: p.V110L:GTC>CTC; c.250G>C, p.Val84Leu (NM_001127692.3, NM_001352607.2, NM_001352608.2); c.328G>C, p.Val110Leu (NM_001178004.2, NM_001352605.2, NM_001352606.2 and 1 more transcripts); c.-539G>C (NM_001352610.2, NM_001352611.2, NM_001352612.2); short protein forms V110L, V84L.
Identifiers: ClinVar variation 203879 (VCV000203879.19), dbSNP rs150788587, ClinGen allele CA312817.

ClinVar aggregate classification (germline): Conflicting classifications of pathogenicity. Review status: criteria provided, conflicting classifications (1 of 4 stars). 5 submissions from 5 submitters: Uncertain significance (3); Likely benign (1). 1 of the submissions does not count toward it. Last evaluated 2026-01-24.

Conditions:
Inborn genetic diseases. Identifiers: MedGen C0950123, MeSH D030342.
Propionic acidemia (PROP). Also called: GLYCINEMIA, KETOTIC; HYPERGLYCINEMIA WITH KETOACIDOSIS AND LEUKOPENIA; KETOTIC HYPERGLYCINEMIA. Identifiers: Orphanet 35, MedGen C0268579, MONDO:0011628, OMIM 606054, HP:0003571.

Allele frequency attached by ClinVar (database versions not stated): ExAC 0.00015; ESP Exome Variant Server 0.00015; TOPMed 0.00015; gnomAD 0.00016 and 0.00017.

Submissions (5):

Labcorp Genetics (formerly Invitae), Labcorp
Classification: Likely benign for Propionic acidemia. Last evaluated: 2026-01-24. Review status: criteria provided, single submitter. Criteria: Invitae Variant Classification Sherloc (09022015). Collection method: clinical testing. Allele origin: germline.

Ambry Genetics
Classification: Uncertain significance for Inborn genetic diseases. Last evaluated: 2024-09-02. Review status: criteria provided, single submitter. Criteria: Ambry Variant Classification Scheme 2023. Collection method: clinical testing. Allele origin: germline.

GeneDx
Classification: Uncertain significance. Last evaluated: 2022-05-21. Review status: criteria provided, single submitter. Criteria: GeneDx Variant Classification Process June 2021. Collection method: clinical testing. Allele origin: germline. Affected: yes.
Comment: In silico analysis supports that this missense variant does not alter protein structure/function; Has not been previously published as pathogenic or benign to our knowledge

Illumina Laboratory Services, Illumina
Classification: Uncertain significance for Propionic acidemia. Last evaluated: 2018-01-12. Review status: criteria provided, single submitter. Criteria: ICSL Variant Classification Criteria 13 December 2019. Collection method: clinical testing. Allele origin: germline.

Natera, Inc.
Classification: Uncertain significance for Propionic acidemia. Last evaluated: 2020-09-16. Review status: no assertion criteria provided. Collection method: clinical testing. Allele origin: germline. Not counted in ClinVar's aggregate classification.